The following is an entry in ClinVar:

NM_002972.4(SBF1):c.4753C>T (p.Arg1585Trp)

Gene: SBF1 (SET binding factor 1; minus strand). Cytogenetic location: 22q13.33.
Variant type: single nucleotide variant.
Coding change: c.4753C>T on transcript NM_002972.4 (MANE Select); coding-DNA position 4753, C replaced by T.
Protein change: p.Arg1585Trp; replaces arginine 1585 with tryptophan.
Molecular consequence: missense variant.
Genome position (GRCh38, 1-based): chr22:50,454,873, G>A on the plus strand (C>T on the coding strand, the complement: SBF1 is on the minus strand). VCF-style: chr22-50454873-G-A. GRCh37 (hg19) VCF-style: chr22-50893302-G-A.
Other names: p.Arg1585Trp; c.4678C>T, p.Arg1560Trp (NM_001365819.1); c.4753C>T (NM_002972.2); short protein forms R1585W, R1560W.
Identifiers: ClinVar variation 1357078 (VCV001357078.6), dbSNP rs201583622, ClinGen allele CA10316138.

ClinVar aggregate classification (germline): Uncertain significance. Review status: criteria provided, multiple submitters, no conflicts (2 of 4 stars). 3 submissions from 3 submitters: Uncertain significance (3). Last evaluated 2025-09-05.

Allele frequency attached by ClinVar (database versions not stated): gnomAD 0.00009 and 0.00010; gnomAD exomes 0.00037 and 0.00007; TOPMed 0.00017; ExAC 0.00042.
gnomAD v4.1: 126 of 1,613,928 alleles (0.0078%); highest among the groups gnomAD compares: Admixed American, 0.11%; 2 homozygotes.

Submissions (3):

Mayo Clinic Laboratories, Mayo Clinic
Classification: Uncertain significance. Last evaluated: 2025-09-05. Review status: criteria provided, single submitter. Criteria: ACMG Guidelines, 2015. Collection method: clinical testing. Allele origin: germline. Observed: 2 variant alleles.
Comment: BS1, PP3

GeneDx
Classification: Uncertain significance. Last evaluated: 2024-11-06. Review status: criteria provided, single submitter. Criteria: GeneDx Variant Classification Process June 2021. Collection method: clinical testing. Allele origin: germline. Affected: yes.
Comment: In silico analysis supports that this missense variant has a deleterious effect on protein structure/function; Has not been previously published as pathogenic or benign to our knowledge

Labcorp Genetics (formerly Invitae), Labcorp
Classification: Uncertain significance. Last evaluated: 2022-04-11. Review status: criteria provided, single submitter. Criteria: Invitae Variant Classification Sherloc (09022015). Collection method: clinical testing. Allele origin: germline.
Comment: This sequence change replaces arginine, which is basic and polar, with tryptophan, which is neutral and slightly polar, at codon 1585 of the SBF1 protein (p.Arg1585Trp). This variant is present in population databases (rs201583622, gnomAD 0.2%). This variant has not been reported in the literature in individuals affected with SBF1-related conditions. Algorithms developed to predict the effect of missense changes on protein structure and function are either unavailable or do not agree on the potential impact of this missense change (SIFT: "Deleterious"; PolyPhen-2: "Benign"; Align-GVGD: "Class C0"). In summary, the available evidence is currently insufficient to determine the role of this variant in disease. Therefore, it has been classified as a Variant of Uncertain Significance.